The following is an entry in ClinVar:

NM_003823.4(TNFRSF6B):c.259C>T (p.Arg87Cys)

Genes: RTEL1-TNFRSF6B (RTEL1-TNFRSF6B readthrough (NMD candidate); plus strand), TNFRSF6B (TNF receptor superfamily member 6b; plus strand). Cytogenetic location: 20q13.33.
Variant type: single nucleotide variant.
Coding change: c.259C>T on transcript NM_003823.4 (MANE Select); coding-DNA position 259, C replaced by T.
Protein change: p.Arg87Cys; replaces arginine 87 with cysteine.
Molecular consequence: missense variant. On other transcripts: non-coding transcript variant (1).
Genome position (GRCh38, 1-based): chr20:63,697,026, C>T. VCF-style: chr20-63697026-C-T. GRCh37 (hg19) VCF-style: chr20-62328379-C-T.
Other names: short protein forms R87C.
Identifiers: ClinVar variation 1420141 (VCV001420141.8), dbSNP rs755954406, ClinGen allele CA9966385.

ClinVar aggregate classification (germline): Uncertain significance (1 of 4 stars; one submission).

Allele frequency attached by ClinVar (database versions not stated): gnomAD exomes below 0.00001 and 0.00001; ExAC 0.00001.

Submission:

Labcorp Genetics (formerly Invitae), Labcorp
Classification: Uncertain significance. Last evaluated: 2023-11-18. Review status: criteria provided, single submitter. Criteria: Invitae Variant Classification Sherloc (09022015). Collection method: clinical testing. Allele origin: germline.
Comment: This sequence change replaces arginine, which is basic and polar, with cysteine, which is neutral and slightly polar, at codon 87 of the TNFRSF6B protein (p.Arg87Cys). This variant is present in population databases (rs755954406, gnomAD 0.003%). This variant has not been reported in the literature in individuals affected with TNFRSF6B-related conditions. ClinVar contains an entry for this variant (Variation ID: 1420141). An algorithm developed to predict the effect of missense changes on protein structure and function (PolyPhen-2) suggests that this variant is likely to be disruptive. In summary, the available evidence is currently insufficient to determine the role of this variant in disease. Therefore, it has been classified as a Variant of Uncertain Significance.